The following is an entry in ClinVar:

ClinVar aggregate classification (germline): Benign. Review status: criteria provided, multiple submitters, no conflicts (2 of 4 stars). 2 submissions from 2 submitters: Benign (2). Last evaluated 2018-01-13.

Conditions:
Erythrocytosis, familial, 4 (ECYT4). Identifiers: Orphanet 247511, MedGen C2673187, MONDO:0012729, OMIM 611783.

Allele frequency attached by ClinVar (database versions not stated): gnomAD 0.00937 and 0.00917; 1000 Genomes Project 30x 0.00687; TOPMed 0.00908; 1000 Genomes Project 0.00639; gnomAD exomes 0.00990.
gnomAD v4.1: 14,191 of 1,438,444 alleles (0.99%); highest among the groups gnomAD compares: Middle Eastern, 1.6%; 94 homozygotes.

Submissions (2):

Illumina Laboratory Services, Illumina
Classification: Benign for Erythrocytosis, familial, 4. Last evaluated: 2018-01-13. Review status: criteria provided, single submitter. Criteria: ICSL Variant Classification Criteria 13 December 2019. Collection method: clinical testing. Allele origin: germline.
Comment: This variant was observed in the ICSL laboratory as part of a predisposition screen in an ostensibly healthy population. It had not been previously curated by ICSL or reported in the Human Gene Mutation Database (HGMD: prior to June 1st, 2018), and was therefore a candidate for classification through an automated scoring system. Utilizing variant allele frequency, disease prevalence and penetrance estimates, and inheritance mode, an automated score was calculated to assess if this variant is too frequent to cause the disease. Based on the score and internal cut-off values, a variant classified as benign is not then subjected to further curation. The score for this variant resulted in a classification of benign for this disease.

Breakthrough Genomics
Classification: Benign. Review status: criteria provided, single submitter. Criteria: ACMG Guidelines, 2015. Collection method: not provided. Allele origin: germline. Inheritance: Autosomal dominant inheritance. Affected: yes.

NM_001430.5(EPAS1):c.*111A>G

Gene: EPAS1 (endothelial PAS domain protein 1; plus strand). Cytogenetic location: 2p21.
Variant type: single nucleotide variant.
Coding change: c.*111A>G on transcript NM_001430.5 (MANE Select); 111 bases downstream of the stop codon, A replaced by G.
Molecular consequence: 3 prime UTR variant.
Genome position (GRCh38, 1-based): chr2:46,384,771, A>G. VCF-style: chr2-46384771-A-G. GRCh37 (hg19) VCF-style: chr2-46611910-A-G.
Identifiers: ClinVar variation 336285 (VCV000336285.6), dbSNP rs62137032, ClinGen allele CA10613962.